The following is an entry in ClinVar:

ClinVar aggregate classification (germline): Uncertain significance. Review status: criteria provided, multiple submitters, no conflicts (2 of 4 stars). 6 submissions from 6 submitters: Uncertain significance (6). Last evaluated 2025-08-06.

Conditions:
Long QT syndrome (LQTS). Identifiers: MedGen C0023976, MeSH D008133, MONDO:0002442. Disease mechanism: loss of function. Inheritance: Various modes of inheritance.
Atrial fibrillation, familial, 3 (ATFB3). Identifiers: MedGen C1837014, MONDO:0011857, OMIM 607554.
Beckwith-Wiedemann syndrome (BWS). Also called: EMG SYNDROME; Exomphalos macroglossia gigantism syndrome. Identifiers: Orphanet 116, MedGen C0004903, MONDO:0007534, OMIM 130650.
Short QT syndrome type 2. Identifiers: Orphanet 51083, MedGen C1865019, MONDO:0012313, OMIM 609621.
Long QT syndrome 1 (LQT1). Identifiers: Orphanet 101016, Orphanet 768, MedGen C4551647, MONDO:0100316, OMIM 192500, MONDO:0008646.
Jervell and Lange-Nielsen syndrome 1 (JLNS1). Also called: PROLONGED QT INTERVAL IN EKG AND SUDDEN DEATH; SURDO-CARDIAC SYNDROME; CARDIOAUDITORY SYNDROME OF JERVELL AND LANGE-NIELSEN; DEAFNESS, CONGENITAL, AND FUNCTIONAL HEART DISEASE. Identifiers: Orphanet 768, Orphanet 90647, MedGen C4551509, MONDO:0024540, OMIM 220400.
Cardiovascular phenotype. Identifiers: MedGen CN230736.
Cardiac arrhythmia. Also called: Arrhythmia; Cardiac rhythm disease. Identifiers: MedGen C0003811, MONDO:0007263, HP:0011675.

Allele frequency attached by ClinVar (database versions not stated): gnomAD 0.00001; ExAC 0.00003; TOPMed 0.00003; gnomAD exomes 0.00004.
gnomAD v4.1: 20 of 1,611,772 alleles (0.0012%); highest among the groups gnomAD compares: East Asian, 0.016%; no homozygotes.

Submissions (6):

Labcorp Genetics (formerly Invitae), Labcorp
Classification: Uncertain significance for Long QT syndrome. Last evaluated: 2025-08-06. Review status: criteria provided, single submitter. Criteria: Invitae Variant Classification Sherloc (09022015). Collection method: clinical testing. Allele origin: germline.
Comment: This sequence change replaces arginine, which is basic and polar, with cysteine, which is neutral and slightly polar, at codon 192 of the KCNQ1 protein (p.Arg192Cys). This variant is present in population databases (rs775059928, gnomAD 0.05%). This missense change has been observed in individual(s) with long QT syndrome (LQTS) (PMID: 22629021, 23631430, 28606196, 28704380). ClinVar contains an entry for this variant (Variation ID: 578178). Invitae Evidence Modeling of protein sequence and biophysical properties (such as structural, functional, and spatial information, amino acid conservation, physicochemical variation, residue mobility, and thermodynamic stability) has been performed for this missense variant. However, the output from this modeling did not meet the statistical confidence thresholds required to predict the impact of this variant on KCNQ1 protein function. Experimental studies have shown that this missense change affects KCNQ1 function (PMID: 24947509, 30571187). In summary, the available evidence is currently insufficient to determine the role of this variant in disease. Therefore, it has been classified as a Variant of Uncertain Significance.

Color Diagnostics, LLC DBA Color Health
Classification: Uncertain significance for Cardiac arrhythmia. Last evaluated: 2025-07-25. Review status: criteria provided, single submitter. Criteria: ACMG Guidelines, 2015. Collection method: clinical testing. Allele origin: germline.
Comment: This missense variant replaces arginine with cysteine at codon 192 of the KCNQ1 protein. This variant is located within the conserved cytoplasmic linker (a.a. 169-196) of the KCNQ1 protein. Rare non-truncating variants in this region have been shown to be significantly overrepresented in individuals with long QT syndrome (PMID: 32893267). Computational prediction suggests that this variant may have a deleterious impact on protein structure and function. A functional study has shown that the current of the mutant channel was significantly decreased upon PIP2 injection, indicating an impaired functional interaction with PIP2 (PMID: 24947509). This variant has been reported in individuals affected with or suspected to be affected with long QT syndrome, epilepsy, arrhythmia, sudden unexpected death syndrome, or other diseases (PMID: 22629021, 23631430, 28704380, 28606196, 31696929). This variant has been identified in 11/280628 chromosomes (10/19916 East Asian chromosomes) in the general population by the Genome Aggregation Database (gnomAD). The available evidence is insufficient to determine the role of this variant in disease conclusively. Therefore, this variant is classified as a Variant of Uncertain Significance.

Ambry Genetics
Classification: Uncertain significance for Cardiovascular phenotype. Last evaluated: 2025-02-24. Review status: criteria provided, single submitter. Criteria: Ambry Variant Classification Scheme 2023. Collection method: clinical testing. Allele origin: germline.
Comment: The p.R192C variant (also known as c.574C>T), located in coding exon 3 of the KCNQ1 gene, results from a C to T substitution at nucleotide position 574. The arginine at codon 192 is replaced by cysteine, an amino acid with highly dissimilar properties. This variant was reported in conjunction with a KCNE1 variant and in trans with KCNQ1 c.1032G>A in an individual with Romano Ward syndrome; this variant was also identified in the proband's unaffected mother (Gao Y et al. J Cardiovasc Dis Res, 2012 Apr;3:67-75). This variant was identified in a long QT syndrome (LQTS) cohort (Lieve KV et al. Genet Test Mol Biomarkers, 2013 Jul;17:553-61), in a sudden death victim in conjunction with a variant in DSP (Suktitipat B et al. PLoS ONE, 2017 Jul;12:e0180056), and in an individual with LQTS in conjunction with KCNQ1 p.G179S (McLeod KA et al. Cardiol Young, 2017 Sep;27:1271-1279). Function studies in Xenopus oocytes demonstrated an increased current, whereas studies in CHO cells demonstrated a reduced current (Eckey K et al. J. Biol. Chem., 2014 Aug;289:22749-58; Vanoye CG et al. Circ Genom Precis Med, 2018 11;11:e002345). This amino acid position is highly conserved in available vertebrate species. In addition, this alteration is predicted to be deleterious by in silico analysis. Since supporting evidence is limited at this time, the clinical significance of this alteration remains unclear.

All of Us Research Program, National Institutes of Health
Classification: Uncertain significance for Long QT syndrome. Last evaluated: 2024-05-17. Review status: criteria provided, single submitter. Criteria: ACMG Guidelines, 2015. Collection method: clinical testing. Allele origin: germline. Inheritance: Autosomal dominant inheritance. Observed: 7 variant alleles, 7 heterozygotes.
Comment: This missense variant replaces arginine with cysteine at codon 192 of the KCNQ1 protein. Computational prediction is inconclusive regarding the impact of this variant on protein structure and function (internally defined REVEL score threshold 0.5 < inconclusive < 0.7, PMID: 27666373). A functional study has shown that the current of the mutant channel was significantly decreased upon PIP2 injection, indicating an impaired functional interaction with PIP2 (PMID: 24947509). This variant has been reported in one individual affected with long QT syndrome (PMID: 28606196), one individual with Romano-Ward syndrome (PMID: 22629021), one individual with suspected long QT syndrome (PMID: 23631430), and one case with sudden unexpected death syndrome (PMID: 28704380). This variant has been identified in 11/280628 chromosomes in the general population by the Genome Aggregation Database (gnomAD). The available evidence is insufficient to determine the role of this variant in disease conclusively. Therefore, this variant is classified as a Variant of Uncertain Significance.

This study involves interpretation of variants in research participants for the purpose of population health screening. Participant phenotype was not available at the time of variant classification. Additional details can be found in publication PMID: 35346344, PMCID: PMC8962531

Fulgent Genetics
Classification: Uncertain significance for Beckwith-Wiedemann syndrome; Long QT syndrome 1; Jervell and Lange-Nielsen syndrome 1; Atrial fibrillation, familial, 3; Short QT syndrome type 2. Last evaluated: 2021-11-22. Review status: criteria provided, single submitter. Criteria: ACMG Guidelines, 2015. Collection method: clinical testing. Allele origin: unknown.

Laboratory for Molecular Medicine, Mass General Brigham Personalized Medicine
Classification: Uncertain significance. Last evaluated: 2018-09-12. Review status: criteria provided, single submitter. Criteria: LMM Criteria. Collection method: clinical testing. Allele origin: germline. Observed: 1 variant allele.
Comment: Variant classified as Uncertain Significance - Favor Pathogenic. The p.Arg192Cys variant in KCNQ1 has been reported in 1 heterozygous individual and 2 compound heterozygous individuals with long QT syndrome (LQTS), and one case with sudden death (Gao 2012, Lieve 2013, McLeod 2017, Suktitipat 2017). None of the compound heterozygous individuals had hearing loss. This variant has been identified in 0.05% (9/18834) of East Asian chromosomes by the Genome Aggregation Database (gn omAD). Computational prediction tools and cons ervation analysis suggest that the p.Arg192Cys variant may impact the protein, t hough this information is not predictive enough to determine pathogenicity. In s ummary, while there is some suspicion for a pathogenic role, the clinical signif icance of the p.Arg192Cys variant is uncertain. ACMG/AMP criteria applied: PS4_S upporting, PM2_Supporting, PP3.

Literature cited by the submitters: PubMed 22629021 (cited by 5 submitters); PubMed 23631430 (cited by 5 submitters); PubMed 28606196 (cited by 5 submitters); PubMed 28704380 (cited by 5 submitters); PubMed 24947509 (cited by 4 submitters); PubMed 30571187 (cited by Labcorp Genetics (formerly Invitae), Labcorp and Ambry Genetics); PubMed 31696929 (cited by Color Diagnostics, LLC DBA Color Health and Ambry Genetics); PubMed 32893267 (cited by Color Diagnostics, LLC DBA Color Health).

NM_000218.3(KCNQ1):c.574C>T (p.Arg192Cys)

Gene: KCNQ1 (potassium voltage-gated channel subfamily Q member 1; plus strand). Cytogenetic location: 11p15.5.
Variant type: single nucleotide variant.
Coding change: c.574C>T on transcript NM_000218.3 (MANE Select); coding-DNA position 574, C replaced by T.
Protein change: p.Arg192Cys; replaces arginine 192 with cysteine.
Molecular consequence: missense variant.
Genome position (GRCh38, 1-based): chr11:2,570,724, C>T. VCF-style: chr11-2570724-C-T. GRCh37 (hg19) VCF-style: chr11-2591954-C-T.
Other names: p.Arg192Cys; c.574C>T, p.Arg192Cys (NM_001406836.1); c.304C>T, p.Arg102Cys (NM_001406837.1); c.193C>T, p.Arg65Cys (NM_181798.2); short protein forms R65C, R192C, R102C.
Identifiers: ClinVar variation 578178 (VCV000578178.23), dbSNP rs775059928, ClinGen allele CA038536.